The following is an entry in ClinVar:

ClinVar aggregate classification (germline): Uncertain significance. Review status: criteria provided, multiple submitters, no conflicts (2 of 4 stars). 5 submissions from 5 submitters: Uncertain significance (5). Last evaluated 2024-06-27.

Conditions:
Hereditary breast ovarian cancer syndrome. Also called: Hereditary breast and ovarian cancer syndrome; Hereditary breast and ovarian cancer; Hereditary breast and ovarian cancer syndrome (HBOC); Breast and ovarian cancer; Hereditary breast and/or ovarian cancer syndrome; BRCA1- and BRCA2-Associated Hereditary Breast and Ovarian Cancer. Identifiers: Orphanet 145, MedGen C0677776, MeSH D061325, MONDO:0003582. Disease mechanism: loss of function.
Familial cancer of breast. Also called: BREAST CANCER, FAMILIAL; Hereditary breast cancer; hereditary breast carcinoma. Identifiers: Orphanet 227535, MedGen C0346153, MONDO:0016419, OMIM 114480. Disease mechanism: loss of function.
Hereditary cancer-predisposing syndrome. Also called: Neoplastic Syndromes, Hereditary; Tumor predisposition; Hereditary Cancer Syndrome; Hereditary neoplastic syndrome. Identifiers: Orphanet 140162, MedGen C0027672, MeSH D009386, MONDO:0015356.

Allele frequency attached by ClinVar (database versions not stated): TOPMed 0.00001.

Submissions (5):

GeneDx
Classification: Uncertain significance. Last evaluated: 2024-06-27. Review status: criteria provided, single submitter. Criteria: GeneDx Variant Classification Process June 2021. Collection method: clinical testing. Allele origin: germline. Affected: yes.
Comment: Not observed at significant frequency in large population cohorts (gnomAD); In silico analysis indicates that this missense variant does not alter protein structure/function; Has not been previously published as pathogenic or benign to our knowledge; Also known as 10159C>T; This variant is associated with the following publications: (PMID: 29884841, 10733923)

Quest Diagnostics Nichols Institute San Juan Capistrano
Classification: Uncertain significance. Last evaluated: 2024-06-26. Review status: criteria provided, single submitter. Criteria: Quest Diagnostics criteria. Collection method: clinical testing. Allele origin: unknown.
Comment: The BRCA2 c.9931C>T (p.Pro3311Ser) variant has been reported in the published literature to be located in a region of the BRCA2 gene that is tolerant to missense sequence changes (PMID: 31911673 (2020)). To the best of our knowledge, this variant has not been reported in individuals with BRCA2-related disorders. This variant has not been reported in large, multi-ethnic general populations (Genome Aggregation Database). Analysis of this variant using bioinformatics tools for the prediction of the effect of amino acid changes on protein structure and function yielded predictions that this variant is benign. Based on the available information, we are unable to determine the clinical significance of this variant.

Ambry Genetics
Classification: Uncertain significance for Hereditary cancer-predisposing syndrome. Last evaluated: 2024-05-31. Review status: criteria provided, single submitter. Criteria: Ambry Variant Classification Scheme 2023. Collection method: clinical testing. Allele origin: germline.
Comment: The p.P3311S variant (also known as c.9931C>T), located in coding exon 26 of the BRCA2 gene, results from a C to T substitution at nucleotide position 9931. The proline at codon 3311 is replaced by serine, an amino acid with similar properties. This amino acid position is well conserved in available vertebrate species. In addition, this alteration is predicted to be tolerated by in silico analysis. Since supporting evidence is limited at this time, the clinical significance of this alteration remains unclear.

Baylor Genetics
Classification: Uncertain significance for Familial cancer of breast. Last evaluated: 2023-12-06. Review status: criteria provided, single submitter. Criteria: ACMG Guidelines, 2015. Collection method: clinical testing. Allele origin: unknown.

Labcorp Genetics (formerly Invitae), Labcorp
Classification: Uncertain significance for Hereditary breast ovarian cancer syndrome. Last evaluated: 2023-11-09. Review status: criteria provided, single submitter. Criteria: Invitae Variant Classification Sherloc (09022015). Collection method: clinical testing. Allele origin: germline.
Comment: This sequence change replaces proline, which is neutral and non-polar, with serine, which is neutral and polar, at codon 3311 of the BRCA2 protein (p.Pro3311Ser). This variant is not present in population databases (gnomAD no frequency). This variant has not been reported in the literature in individuals affected with BRCA2-related conditions. ClinVar contains an entry for this variant (Variation ID: 481595). Advanced modeling of protein sequence and biophysical properties (such as structural, functional, and spatial information, amino acid conservation, physicochemical variation, residue mobility, and thermodynamic stability) performed at Invitae indicates that this missense variant is not expected to disrupt BRCA2 protein function with a negative predictive value of 95%. In summary, the available evidence is currently insufficient to determine the role of this variant in disease. Therefore, it has been classified as a Variant of Uncertain Significance.

Literature cited by the submitters: PubMed 31911673 (cited by Quest Diagnostics Nichols Institute San Juan Capistrano).

NM_000059.4(BRCA2):c.9931C>T (p.Pro3311Ser)

Gene: BRCA2 (BRCA2 DNA repair associated; plus strand). Cytogenetic location: 13q13.1.
Variant type: single nucleotide variant.
Coding change: c.9931C>T on transcript NM_000059.4 (MANE Select); coding-DNA position 9931, C replaced by T.
Protein change: p.Pro3311Ser; replaces proline 3311 with serine.
Molecular consequence: missense variant.
Genome position (GRCh38, 1-based): chr13:32,398,444, C>T. VCF-style: chr13-32398444-C-T. GRCh37 (hg19) VCF-style: chr13-32972581-C-T.
Other names: short protein forms P3311S.
Identifiers: ClinVar variation 481595 (VCV000481595.19), dbSNP rs1275047772, ClinGen allele CA387767135.